The following is an entry in ClinVar:

NM_001386298.1(CIC):c.3898C>T (p.Pro1300Ser)

Gene: CIC (capicua transcriptional repressor; plus strand). Cytogenetic location: 19q13.2.
Variant type: single nucleotide variant.
Coding change: c.3898C>T on transcript NM_001386298.1 (MANE Select); coding-DNA position 3898, C replaced by T.
Protein change: p.Pro1300Ser; replaces proline 1300 with serine.
Molecular consequence: missense variant.
Genome position (GRCh38, 1-based): chr19:42,289,217, C>T. VCF-style: chr19-42289217-C-T. GRCh37 (hg19) VCF-style: chr19-42793369-C-T.
Other names: c.3898C>T, p.Pro1300Ser (NM_001304815.2, NM_001379480.1, NM_001379482.1 and 1 more transcripts); c.1171C>T, p.Pro391Ser (NM_001379484.1, NM_001379485.1, NM_015125.5); short protein forms P1300S, P391S.
Identifiers: ClinVar variation 1704572 (VCV001704572.1), dbSNP rs2037890946, ClinGen allele CA406102542.

ClinVar aggregate classification (germline): Uncertain significance (1 of 4 stars; one submission).

Submission:

Women's Health and Genetics/Laboratory Corporation of America, LabCorp
Classification: Uncertain significance. Last evaluated: 2022-07-07. Review status: criteria provided, single submitter. Criteria: LabCorp Variant Classification Summary - May 2015. Collection method: clinical testing. Allele origin: germline.
Comment: Variant summary: CIC c.1171C>T (p.Pro391Ser) results in a non-conservative amino acid change in the encoded protein sequence. Four of five in-silico tools predict a benign effect of the variant on protein function. The variant was absent in 249704 control chromosomes (gnomAD). The available data on variant occurrences in the general population are insufficient to allow any conclusion about variant significance. To our knowledge, no occurrence of c.1171C>T in individuals affected with Mental Retardation, Autosomal Dominant 45 and no experimental evidence demonstrating its impact on protein function have been reported. No clinical diagnostic laboratories have submitted clinical-significance assessments for this variant to ClinVar after 2014. Based on the evidence outlined above, the variant was classified as uncertain significance.